The following is an entry in ClinVar:

NM_001349338.3(FOXP1):c.1835A>T (p.His612Leu)

Gene: FOXP1 (forkhead box P1; minus strand). Cytogenetic location: 3p13.
Variant type: single nucleotide variant.
Coding change: c.1835A>T on transcript NM_001349338.3 (MANE Select); coding-DNA position 1835, A replaced by T.
Protein change: p.His612Leu; replaces histidine 612 with leucine.
Molecular consequence: missense variant. On other transcripts: non-coding transcript variant (2).
Genome position (GRCh38, 1-based): chr3:70,965,944, T>A on the plus strand (A>T on the coding strand, the complement: FOXP1 is on the minus strand). VCF-style: chr3-70965944-T-A. GRCh37 (hg19) VCF-style: chr3-71015095-T-A.
Other names: c.1832A>T, p.His611Leu (NM_001244808.3, NM_001349341.3); c.1883A>T, p.His628Leu (NM_001244810.2); c.1607A>T, p.His536Leu (NM_001244812.3); c.1535A>T, p.His512Leu (NM_001244813.3, NM_001244815.2, NM_001349342.3); c.1835A>T, p.His612Leu (NM_001244814.3, NM_001244816.2, NM_001349340.3 and 1 more transcripts); c.1532A>T, p.His511Leu (NM_001349337.2, NM_001349343.3, NM_001349344.3 and 1 more transcripts); short protein forms H511L, H512L, H536L, H611L, H612L, H628L.
Identifiers: ClinVar variation 1717189 (VCV001717189.5), dbSNP rs758540752, ClinGen allele CA353489529.

ClinVar aggregate classification (germline): Uncertain significance (1 of 4 stars; one submission).

Submission:

Labcorp Genetics (formerly Invitae), Labcorp
Classification: Uncertain significance. Last evaluated: 2022-08-20. Review status: criteria provided, single submitter. Criteria: Invitae Variant Classification Sherloc (09022015). Collection method: clinical testing. Allele origin: germline.
Comment: This variant is not present in population databases (gnomAD no frequency). This sequence change replaces histidine, which is basic and polar, with leucine, which is neutral and non-polar, at codon 612 of the FOXP1 protein (p.His612Leu). This variant has not been reported in the literature in individuals affected with FOXP1-related conditions. In summary, the available evidence is currently insufficient to determine the role of this variant in disease. Therefore, it has been classified as a Variant of Uncertain Significance. Algorithms developed to predict the effect of missense changes on protein structure and function are either unavailable or do not agree on the potential impact of this missense change (SIFT: "Tolerated"; PolyPhen-2: "Possibly Damaging"; Align-GVGD: "Class C0").